The following is an entry in ClinVar:

NM_001267550.2(TTN):c.35728A>G (p.Arg11910Gly)

Gene: TTN (titin; minus strand). Cytogenetic location: 2q31.2.
Variant type: single nucleotide variant.
Coding change: c.35728A>G on transcript NM_001267550.2 (MANE Select); coding-DNA position 35728, A replaced by G.
Protein change: p.Arg11910Gly; replaces arginine 11910 with glycine.
Molecular consequence: missense variant. On other transcripts: intron variant (5).
Genome position (GRCh38, 1-based): chr2:178,667,305, T>C on the plus strand (A>G on the coding strand, the complement: TTN is on the minus strand). VCF-style: chr2-178667305-T-C. GRCh37 (hg19) VCF-style: chr2-179532032-T-C.
Other names: c.13283-24988A>G (NM_003319.4); c.13859-24988A>G (NM_133437.4); c.13658-24988A>G (NM_133432.3); c.31483+2913A>G (NM_133378.4); c.34264+2913A>G (NM_001256850.1); short protein forms R11910G.
Identifiers: ClinVar variation 3360814 (VCV003360814.1).

ClinVar aggregate classification (germline): Uncertain significance (1 of 4 stars; one submission).

gnomAD v4.1: 3 of 1,603,650 alleles (0.00019%); highest among the groups gnomAD compares: East Asian, 0.0022%; no homozygotes.

Submission:

GeneDx
Classification: Uncertain significance. Last evaluated: 2023-07-02. Review status: criteria provided, single submitter. Criteria: GeneDx Variant Classification Process June 2021. Collection method: clinical testing. Allele origin: germline. Affected: yes.
Comment: Not observed at significant frequency in large population cohorts (gnomAD); Missense variant in a gene in which most reported pathogenic variants are truncating/loss of function; Has not been previously published as pathogenic or benign to our knowledge